The following is an entry in ClinVar:

ClinVar aggregate classification (germline): Uncertain significance (1 of 4 stars; one submission).

Allele frequency attached by ClinVar (database versions not stated): gnomAD 0.00001; TOPMed 0.00002.
gnomAD v4.1: 22 of 1,610,320 alleles (0.0014%); highest among the groups gnomAD compares: East Asian, 0.0067%; no homozygotes.

Submission:

Labcorp Genetics (formerly Invitae), Labcorp
Classification: Uncertain significance. Last evaluated: 2025-04-09. Review status: criteria provided, single submitter. Criteria: Invitae Variant Classification Sherloc (09022015). Collection method: clinical testing. Allele origin: germline.
Comment: This sequence change replaces tyrosine, which is neutral and polar, with cysteine, which is neutral and slightly polar, at codon 246 of the C3 protein (p.Tyr246Cys). This variant is present in population databases (rs771248231, gnomAD 0.02%). This variant has not been reported in the literature in individuals affected with C3-related conditions. ClinVar contains an entry for this variant (Variation ID: 2045649). Invitae Evidence Modeling of protein sequence and biophysical properties (such as structural, functional, and spatial information, amino acid conservation, physicochemical variation, residue mobility, and thermodynamic stability) indicates that this missense variant is not expected to disrupt C3 protein function with a negative predictive value of 80%. In summary, the available evidence is currently insufficient to determine the role of this variant in disease. Therefore, it has been classified as a Variant of Uncertain Significance.

NM_000064.4(C3):c.737A>G (p.Tyr246Cys)

Gene: C3 (complement C3; minus strand). Cytogenetic location: 19p13.3.
Variant type: single nucleotide variant.
Coding change: c.737A>G on transcript NM_000064.4 (MANE Select); coding-DNA position 737, A replaced by G.
Protein change: p.Tyr246Cys; replaces tyrosine 246 with cysteine.
Molecular consequence: missense variant.
Genome position (GRCh38, 1-based): chr19:6,714,028, T>C on the plus strand (A>G on the coding strand, the complement: C3 is on the minus strand). VCF-style: chr19-6714028-T-C. GRCh37 (hg19) VCF-style: chr19-6714039-T-C.
Other names: short protein forms Y246C.
Identifiers: ClinVar variation 2045649 (VCV002045649.4), dbSNP rs771248231, ClinGen allele CA9129704.